The following is an entry in ClinVar:

ClinVar aggregate classification (germline): Pathogenic (1 of 4 stars; one submission).

Conditions:
Combined immunodeficiency due to DOCK8 deficiency (HIES2). Also called: HIES autosomal recessive; Hyper-IgE recurrent infection syndrome, autosomal recessive; HYPER-IgE SYNDROME 2, AUTOSOMAL RECESSIVE, WITH RECURRENT INFECTIONS; DOCK8 Deficiency; HYPER-IgE RECURRENT INFECTION SYNDROME 2, AUTOSOMAL RECESSIVE. Identifiers: Orphanet 217390, MedGen C4722305, MONDO:0009478, OMIM 243700.

Submission:

Labcorp Genetics (formerly Invitae), Labcorp
Classification: Pathogenic for Hyper-Immunoglobulin E Syndrome, Autosomal Recessive. Last evaluated: 2019-12-24. Review status: criteria provided, single submitter. Criteria: Invitae Variant Classification Sherloc (09022015). Collection method: clinical testing. Allele origin: germline.
Comment: This variant is a gross deletion of the genomic region encompassing exon 1 of the DOCK8 gene, which includes the initiator codon. The 5' end of this event is unknown as it extends beyond the assayed region for this gene and therefore may encompass additional genes. The 3' boundary is likely confined to intron 1 of the DOCK8 gene. This is expected to result in an absent or disrupted protein product. This variant has been reported in a homozygous individual affected with autosomal recessive hyper-IgE syndrome (PMID: 25724123). Loss-of-function variants in DOCK8 are known to be pathogenic (PMID: 14722525, 19776401). For these reasons, this variant has been classified as Pathogenic.

Literature cited by the submitters: PubMed 25724123.

NC_000009.12:g.(?_214957)_(215049_?)del

Genes: DOCK8-AS1 (DOCK8 antisense RNA 1; minus strand), DOCK8 (dedicator of cytokinesis 8; plus strand), LOC130001437 (ATAC-STARR-seq lymphoblastoid silent region 19722; plus strand). Cytogenetic location: 9p24.3.
Variant type: Deletion.
Identifiers: ClinVar variation 468732 (VCV000468732.3).